The following is an entry in ClinVar:

ClinVar aggregate classification (germline): Likely benign (1 of 4 stars; one submission).

Conditions:
CEP164-related disorder. Also called: CEP164-related condition.

gnomAD v4.1: 5 of 1,610,472 alleles (0.00031%); highest among the groups gnomAD compares: African/African-American, 0.0053%; no homozygotes.

Submission:

PreventionGenetics, part of Exact Sciences
Classification: Likely benign for CEP164-related condition. Last evaluated: 2026-08-21. Review status: criteria provided, single submitter. Criteria: ACMG Guidelines, 2015. Collection method: clinical testing. Allele origin: germline.
Comment: This variant is classified as likely benign based on ACMG/AMP sequence variant interpretation guidelines (Richards et al. 2015 PMID: 25741868, with internal and published modifications).

NM_014956.5(CEP164):c.2362-16G>A

Gene: CEP164 (centrosomal protein 164; plus strand). Cytogenetic location: 11q23.3.
Variant type: single nucleotide variant.
Coding change: c.2362-16G>A on transcript NM_014956.5 (MANE Select); 16 bases into the intron before coding-DNA position 2362, G replaced by A.
Molecular consequence: intron variant.
Genome position (GRCh38, 1-based): chr11:117,392,480, G>A. VCF-style: chr11-117392480-G-A. GRCh37 (hg19) VCF-style: chr11-117263196-G-A.
Other names: c.2371-16G>A (NM_001271933.2, NM_001440949.1); c.2203-16G>A (NM_001440972.1); c.2224-16G>A (NM_001440967.1, NM_001440961.1); c.2275-16G>A (NM_001440956.1, NM_001440957.1); c.2362-16G>A (NM_001440950.1, NM_001440953.1, NM_001440951.1); c.2215-16G>A (NM_001440962.1, NM_001440970.1, NM_001440964.1 and 4 more transcripts); c.2005-16G>A (NM_001440990.1, NM_001440984.1); c.2197-16G>A (NM_001440952.1, NM_001440968.1, NM_001440969.1); and 7 more.
Identifiers: ClinVar variation 4994080 (VCV004994080.1).